The following is an entry in ClinVar:

ClinVar aggregate classification (germline): Uncertain significance (1 of 4 stars; one submission).

Submission:

Labcorp Genetics (formerly Invitae), Labcorp
Classification: Uncertain significance. Last evaluated: 2022-10-06. Review status: criteria provided, single submitter. Criteria: Invitae Variant Classification Sherloc (09022015). Collection method: clinical testing. Allele origin: germline.
Comment: This variant is not present in population databases (gnomAD no frequency). In summary, the available evidence is currently insufficient to determine the role of this variant in disease. Therefore, it has been classified as a Variant of Uncertain Significance. Algorithms developed to predict the effect of sequence changes on RNA splicing suggest that this variant may create or strengthen a splice site. This variant has not been reported in the literature in individuals affected with TRRAP-related conditions. This sequence change affects codon 3507 of the TRRAP mRNA. It is a 'silent' change, meaning that it does not change the encoded amino acid sequence of the TRRAP protein.

NM_001375524.1(TRRAP):c.10650C>T (p.Leu3550=)

Gene: TRRAP (transformation/transcription domain associated protein; plus strand). Cytogenetic location: 7q22.1.
Variant type: single nucleotide variant.
Coding change: c.10650C>T on transcript NM_001375524.1 (MANE Select); coding-DNA position 10650, C replaced by T.
Protein change: p.Leu3550=; no amino-acid change (leucine 3550 retained).
Molecular consequence: synonymous variant.
Genome position (GRCh38, 1-based): chr7:99,005,245, C>T. VCF-style: chr7-99005245-C-T. GRCh37 (hg19) VCF-style: chr7-98602868-C-T.
Other names: c.10608C>T, p.Leu3536= (NM_001244580.2); c.10521C>T, p.Leu3507= (NM_003496.4).
Identifiers: ClinVar variation 2118587 (VCV002118587.4), dbSNP rs2485060119, ClinGen allele CA456686179.